The following is an entry in ClinVar:

ClinVar aggregate classification (germline): Uncertain significance. Review status: criteria provided, multiple submitters, no conflicts (2 of 4 stars). 4 submissions from 4 submitters: Uncertain significance (4). Last evaluated 2025-10-26.

Conditions:
Hereditary cancer-predisposing syndrome. Also called: Hereditary neoplastic syndrome; Neoplastic Syndromes, Hereditary; Hereditary Cancer Syndrome; Tumor predisposition. Identifiers: Orphanet 140162, MedGen C0027672, MeSH D009386, MONDO:0015356.
Familial cancer of breast. Also called: hereditary breast carcinoma; BREAST CANCER, FAMILIAL; Hereditary breast cancer. Identifiers: Orphanet 227535, MedGen C0346153, MONDO:0016419, OMIM 114480. Disease mechanism: loss of function.

Allele frequency attached by ClinVar (database versions not stated): ExAC 0.00001; gnomAD 0.00001; gnomAD exomes 0.00001.
gnomAD v4.1: 17 of 1,613,490 alleles (0.0011%); highest among the groups gnomAD compares: Non-Finnish European, 0.00093%; no homozygotes.

Submissions (4):

Labcorp Genetics (formerly Invitae), Labcorp
Classification: Uncertain significance for Familial cancer of breast. Last evaluated: 2025-10-26. Review status: criteria provided, single submitter. Criteria: Invitae Variant Classification Sherloc (09022015). Collection method: clinical testing. Allele origin: germline.
Comment: This sequence change replaces glycine, which is neutral and non-polar, with aspartic acid, which is acidic and polar, at codon 1121 of the PALB2 protein (p.Gly1121Asp). This variant is present in population databases (rs62625282, gnomAD 0.004%). This variant has not been reported in the literature in individuals affected with PALB2-related conditions. ClinVar contains an entry for this variant (Variation ID: 576760). An algorithm developed to predict the effect of missense changes on protein structure and function (PolyPhen-2) suggests that this variant is likely to be disruptive. In summary, the available evidence is currently insufficient to determine the role of this variant in disease. Therefore, it has been classified as a Variant of Uncertain Significance.

Ambry Genetics
Classification: Uncertain significance for Hereditary cancer-predisposing syndrome. Last evaluated: 2024-11-08. Review status: criteria provided, single submitter. Criteria: Ambry Variant Classification Scheme 2023. Collection method: clinical testing. Allele origin: germline.
Comment: The p.G1121D variant (also known as c.3362G>A), located in coding exon 13 of the PALB2 gene, results from a G to A substitution at nucleotide position 3362. The glycine at codon 1121 is replaced by aspartic acid, an amino acid with similar properties. This amino acid position is highly conserved in available vertebrate species. In addition, the in silico prediction for this alteration is inconclusive. Since supporting evidence is limited at this time, the clinical significance of this alteration remains unclear.

Color Diagnostics, LLC DBA Color Health
Classification: Uncertain significance for Hereditary cancer-predisposing syndrome. Last evaluated: 2024-07-16. Review status: criteria provided, single submitter. Criteria: ACMG Guidelines, 2015. Collection method: clinical testing. Allele origin: germline.
Comment: This missense variant replaces glycine with aspartic acid at codon 1121 of the PALB2 protein. Computational prediction suggests that this variant may not impact protein structure and function. To our knowledge, functional studies have not been reported for this variant. This variant has not been reported in individuals affected with PALB2-related disorders in the literature. This variant has been identified in 2/251342 chromosomes in the general population by the Genome Aggregation Database (gnomAD). The available evidence is insufficient to determine the role of this variant in disease conclusively. Therefore, this variant is classified as a Variant of Uncertain Significance.

Blueprint Genetics
Classification: Uncertain significance. Last evaluated: 2022-10-04. Review status: criteria provided, single submitter. Criteria: ACMG Guidelines, 2015. Collection method: clinical testing. Allele origin: germline.

NM_024675.4(PALB2):c.3362G>A (p.Gly1121Asp)

Gene: PALB2 (partner and localizer of BRCA2; minus strand). Cytogenetic location: 16p12.2.
Variant type: single nucleotide variant.
Coding change: c.3362G>A on transcript NM_024675.4 (MANE Select); coding-DNA position 3362, G replaced by A.
Protein change: p.Gly1121Asp; replaces glycine 1121 with aspartic acid.
Molecular consequence: missense variant.
Genome position (GRCh38, 1-based): chr16:23,603,658, C>T on the plus strand (G>A on the coding strand, the complement: PALB2 is on the minus strand). VCF-style: chr16-23603658-C-T. GRCh37 (hg19) VCF-style: chr16-23614979-C-T.
Other names: short protein forms G1121D.
Identifiers: ClinVar variation 576760 (VCV000576760.21), dbSNP rs62625282, ClinGen allele CA7963352.
Genomic context (GRCh38, chr16:23,603,658, plus strand): 5'-TCCCAAATGGCAATTGTTCCAGAAGTCAAGATTGCTGCTGCACAGTGATCTTTCACGTCA[C>T]CTTCCAGGAACCTGATAGCATACAAAGAAGATATAATTCAGATTACATATCCAAAAAACA-3'
Protein context (NP_078951.2, residues 1111-1131): PPGQAGRFLE[Gly1121Asp]DVKDHCAAAI